The following is an entry in ClinVar:

NM_004260.4(RECQL4):c.2341C>T (p.Pro781Ser)

Gene: RECQL4 (RecQ like helicase 4; minus strand). Cytogenetic location: 8q24.3.
Variant type: single nucleotide variant.
Coding change: c.2341C>T on transcript NM_004260.4 (MANE Select); coding-DNA position 2341, C replaced by T.
Protein change: p.Pro781Ser; replaces proline 781 with serine.
Molecular consequence: missense variant.
Genome position (GRCh38, 1-based): chr8:144,513,340, G>A on the plus strand (C>T on the coding strand, the complement: RECQL4 is on the minus strand). VCF-style: chr8-144513340-G-A. GRCh37 (hg19) VCF-style: chr8-145738723-G-A.
Other names: short protein forms P781S.
Identifiers: ClinVar variation 937886 (VCV000937886.3), dbSNP rs1490845255, ClinGen allele CA372678317.
Genomic context (GRCh38, chr8:144,513,340, plus strand): 5'-CCTGCACGTAGCTCTCGAAGCTTGGGGGCAGCCCCAGATGCAGCACAGCCCGCACATCTG[G>A]CCGGTCCAGCCCCATCCCAAAGGCCACCGTGGCCACCACCACCCGCAACTGGCCCTGCAT-3'
Protein context (NP_004251.4, residues 771-791): TVAFGMGLDR[Pro781Ser]DVRAVLHLGL

ClinVar aggregate classification (germline): Uncertain significance (1 of 4 stars; one submission).

Conditions:
Baller-Gerold syndrome (BGS). Also called: CRANIOSYNOSTOSIS WITH RADIAL DEFECTS. Identifiers: Orphanet 1225, MedGen C0265308, MONDO:0009039, OMIM 218600.

Allele frequency attached by ClinVar (database versions not stated): gnomAD exomes below 0.00001; TOPMed 0.00001.
gnomAD v4.1: 4 of 1,604,326 alleles (0.00025%); highest among the groups gnomAD compares: South Asian, 0.0022%; no homozygotes.

Submission:

Labcorp Genetics (formerly Invitae), Labcorp
Classification: Uncertain significance for Baller-Gerold syndrome. Last evaluated: 2023-03-16. Review status: criteria provided, single submitter. Criteria: Invitae Variant Classification Sherloc (09022015). Collection method: clinical testing. Allele origin: germline.
Comment: This variant is not present in population databases (gnomAD no frequency). In summary, the available evidence is currently insufficient to determine the role of this variant in disease. Therefore, it has been classified as a Variant of Uncertain Significance. Advanced modeling of protein sequence and biophysical properties (such as structural, functional, and spatial information, amino acid conservation, physicochemical variation, residue mobility, and thermodynamic stability) performed at Invitae indicates that this missense variant is not expected to disrupt RECQL4 protein function. ClinVar contains an entry for this variant (Variation ID: 937886). This variant has not been reported in the literature in individuals affected with RECQL4-related conditions. This sequence change replaces proline, which is neutral and non-polar, with serine, which is neutral and polar, at codon 781 of the RECQL4 protein (p.Pro781Ser).